The following is an entry in ClinVar:

ClinVar aggregate classification (germline): Uncertain significance (1 of 4 stars; one submission).

Allele frequency attached by ClinVar (database versions not stated): TOPMed below 0.00001; gnomAD exomes 0.00001; ExAC 0.00002.
gnomAD v4.1: 15 of 1,613,758 alleles (0.00093%); highest among the groups gnomAD compares: Non-Finnish European, 0.0012%; no homozygotes.

Submission:

Labcorp Genetics (formerly Invitae), Labcorp
Classification: Uncertain significance. Last evaluated: 2023-04-11. Review status: criteria provided, single submitter. Criteria: Invitae Variant Classification Sherloc (09022015). Collection method: clinical testing. Allele origin: germline.
Comment: This sequence change replaces aspartic acid, which is acidic and polar, with valine, which is neutral and non-polar, at codon 308 of the POLG2 protein (p.Asp308Val). This variant is present in population databases (rs782422426, gnomAD 0.003%). This variant has not been reported in the literature in individuals affected with POLG2-related conditions. An algorithm developed to predict the effect of missense changes on protein structure and function (PolyPhen-2) suggests that this variant is likely to be disruptive. In summary, the available evidence is currently insufficient to determine the role of this variant in disease. Therefore, it has been classified as a Variant of Uncertain Significance.

NM_007215.4(POLG2):c.923A>T (p.Asp308Val)

Genes: MILR1 (mast cell immunoglobulin like receptor 1; plus strand), POLG2 (DNA polymerase gamma 2, accessory subunit; minus strand). Cytogenetic location: 17q23.3.
Variant type: single nucleotide variant.
Coding change: c.923A>T on transcript NM_007215.4 (MANE Select); coding-DNA position 923, A replaced by T.
Protein change: p.Asp308Val; replaces aspartic acid 308 with valine.
Molecular consequence: missense variant.
Genome position (GRCh38, 1-based): chr17:64,490,842, T>A on the plus strand (A>T on the coding strand, the complement: POLG2 is on the minus strand). VCF-style: chr17-64490842-T-A. GRCh37 (hg19) VCF-style: chr17-62486959-T-A.
Other names: short protein forms D308V.
Identifiers: ClinVar variation 3013885 (VCV003013885.3), dbSNP rs782422426, ClinGen allele CA8712897.